The following is an entry in ClinVar:

NM_174936.4(PCSK9):c.1377T>C (p.Thr459=)

Gene: PCSK9 (proprotein convertase subtilisin/kexin type 9; plus strand). Cytogenetic location: 1p32.3.
Variant type: single nucleotide variant.
Coding change: c.1377T>C on transcript NM_174936.4 (MANE Select); coding-DNA position 1377, T replaced by C.
Protein change: p.Thr459=; no amino-acid change (threonine 459 retained).
Molecular consequence: synonymous variant. On other transcripts: intron variant (1), non-coding transcript variant (8).
Genome position (GRCh38, 1-based): chr1:55,058,521, T>C. VCF-style: chr1-55058521-T-C. GRCh37 (hg19) VCF-style: chr1-55524194-T-C.
Other names: c.1180+1007T>C (NM_001407247.1); c.1500T>C, p.Thr500= (NM_001407240.1); c.1377T>C, p.Thr459= (NM_001407241.1); c.1380T>C, p.Thr460= (NM_001407242.1); c.1320T>C, p.Thr440= (NM_001407243.1); c.1203T>C, p.Thr401= (NM_001407244.1); c.1185T>C, p.Thr395= (NM_001407245.1); c.1002T>C, p.Thr334= (NM_001407246.1).
Identifiers: ClinVar variation 3073640 (VCV003073640.1), dbSNP rs2523262832, ClinGen allele CA417960263.

ClinVar aggregate classification (germline): Likely benign (1 of 4 stars; one submission).

Conditions:
Hypercholesterolemia, autosomal dominant, 3 (FHCL3). Also called: Familial Hypercholesterolemia, Autosomal Dominant, 3; PCSK9-Related Familial Hypercholesterolemia, Autosomal Dominant; Familial hypercholesterolemia 3. Identifiers: MedGen C1863551, MONDO:0011369, OMIM 603776.

Allele frequency attached by ClinVar (database versions not stated): gnomAD exomes below 0.00001.
gnomAD v4.1: 2 of 1,612,172 alleles (0.00012%); highest among the groups gnomAD compares: Non-Finnish European, 0.00017%; no homozygotes.

Submission:

All of Us Research Program, National Institutes of Health
Classification: Likely benign for Hypercholesterolemia, autosomal dominant, 3. Last evaluated: 2023-10-02. Review status: criteria provided, single submitter. Criteria: ACMG Guidelines, 2015. Collection method: clinical testing. Allele origin: germline. Inheritance: Autosomal dominant inheritance. Observed: 1 variant allele, 1 heterozygote.
Comment: This study involves interpretation of variants in research participants for the purpose of population health screening. Participant phenotype was not available at the time of variant classification. Additional details can be found in publication PMID: 35346344, PMCID: PMC8962531